The following is an entry in ClinVar:

ClinVar aggregate classification (germline): Uncertain significance (1 of 4 stars; one submission).

Submission:

Ambry Genetics
Classification: Uncertain significance. Last evaluated: 2026-05-19. Review status: criteria provided, single submitter. Criteria: Ambry Variant Classification Scheme 2023. Collection method: clinical testing. Allele origin: germline.
Comment: The p.T264A variant (also known as c.790A>G), located in coding exon 4 of the GALNT12 gene, results from an A to G substitution at nucleotide position 790. The threonine at codon 264 is replaced by alanine, an amino acid with similar properties. This amino acid position is conserved. In addition, the in silico prediction for this alteration is inconclusive. Based on the available evidence, the clinical significance of this variant remains unclear.

NM_024642.5(GALNT12):c.790A>G (p.Thr264Ala)

Gene: GALNT12 (polypeptide N-acetylgalactosaminyltransferase 12; plus strand). Cytogenetic location: 9q22.33.
Variant type: single nucleotide variant.
Coding change: c.790A>G on transcript NM_024642.5 (MANE Select); coding-DNA position 790, A replaced by G.
Protein change: p.Thr264Ala; replaces threonine 264 with alanine.
Molecular consequence: missense variant.
Genome position (GRCh38, 1-based): chr9:98,831,830, A>G. VCF-style: chr9-98831830-A-G. GRCh37 (hg19) VCF-style: chr9-101594112-A-G.
Other names: short protein forms T264A.
Identifiers: ClinVar variation 4871649 (VCV004871649.1).